The following is an entry in ClinVar:

ClinVar aggregate classification (germline): Likely benign. Review status: criteria provided, multiple submitters, no conflicts (2 of 4 stars). 3 submissions from 3 submitters: Likely benign (3). Last evaluated 2025-11-01.

Allele frequency attached by ClinVar (database versions not stated): ExAC 0.00005; gnomAD 0.00010 and 0.00011; gnomAD exomes 0.00010 and 0.00015; TOPMed 0.00011; ESP Exome Variant Server 0.00015; 1000 Genomes Project 30x 0.00016; 1000 Genomes Project 0.00020.
gnomAD v4.1: 240 of 1,604,356 alleles (0.015%); highest among the groups gnomAD compares: Middle Eastern, 0.033%; no homozygotes.

Submissions (3):

CeGaT Center for Human Genetics Tuebingen
Classification: Likely benign. Last evaluated: 2025-11-01. Review status: criteria provided, single submitter. Criteria: CeGaT Center For Human Genetics Tuebingen Variant Classification Criteria Version 2. Collection method: clinical testing. Allele origin: germline. Affected: yes. Observed: 4 variant alleles.
Comment: CTR9: BP4, BP7

Labcorp Genetics (formerly Invitae), Labcorp
Classification: Likely benign. Last evaluated: 2024-12-14. Review status: criteria provided, single submitter. Criteria: Invitae Variant Classification Sherloc (09022015). Collection method: clinical testing. Allele origin: germline.

Breakthrough Genomics
Classification: Likely benign. Review status: criteria provided, single submitter. Criteria: ACMG Guidelines, 2015. Collection method: not provided. Allele origin: germline. Inheritance: Unknown mechanism. Affected: yes.

NM_014633.5(CTR9):c.1575C>T (p.Arg525=)

Genes: CTR9 (CTR9 component of Paf1/RNA polymerase II complex; plus strand), LOC126861140 (CDK7 strongly-dependent group 2 enhancer GRCh37_chr11:10785333-10786532; plus strand). Cytogenetic location: 11p15.4.
Variant type: single nucleotide variant.
Coding change: c.1575C>T on transcript NM_014633.5 (MANE Select); coding-DNA position 1575, C replaced by T.
Protein change: p.Arg525=; no amino-acid change (arginine 525 retained).
Molecular consequence: synonymous variant.
Genome position (GRCh38, 1-based): chr11:10,764,709, C>T. VCF-style: chr11-10764709-C-T. GRCh37 (hg19) VCF-style: chr11-10786256-C-T.
Other names: c.1575C>T, p.Arg525= (NM_001346279.2).
Identifiers: ClinVar variation 1119786 (VCV001119786.33), dbSNP rs147167045, ClinGen allele CA5885129.
Genomic context (GRCh38, chr11:10,764,709, plus strand): 5'-GCTATATGAGGCGATGTGTGAATTCCATGAAGCAGAAAAACTGTATAAAAACATCTTACG[C>T]GAACATCCTAATTATGTTGACTGTAAGGATTTTAAACTTCTTTATGTAATGAAATCCGTT-3'
Protein context (NP_055448.1, residues 515-535): EAEKLYKNIL[Arg525=]EHPNYVDCYL